The following is an entry in ClinVar:

ClinVar aggregate classification (germline): Uncertain significance (1 of 4 stars; one submission).

Conditions:
Inflammatory bowel disease 25. Also called: Inflammatory bowel disease 25, early onset, autosomal recessive. Identifiers: Orphanet 238569, MedGen C2675508, MONDO:0012941, OMIM 612567.

Submission:

Labcorp Genetics (formerly Invitae), Labcorp
Classification: Uncertain significance for Inflammatory bowel disease 25. Last evaluated: 2019-01-20. Review status: criteria provided, single submitter. Criteria: Invitae Variant Classification Sherloc (09022015). Collection method: clinical testing. Allele origin: germline.
Comment: This variant has not been reported in the literature in individuals with IL10RB-related conditions. In summary, the available evidence is currently insufficient to determine the role of this variant in disease. Therefore, it has been classified as a Variant of Uncertain Significance. Algorithms developed to predict the effect of missense changes on protein structure and function are either unavailable or do not agree on the potential impact of this missense change (SIFT: "Deleterious"; PolyPhen-2: "Benign"; Align-GVGD: "Class C0"). This variant is not present in population databases (ExAC no frequency). This sequence change replaces valine with leucine at codon 27 of the IL10RB protein (p.Val27Leu). The valine residue is moderately conserved and there is a small physicochemical difference between valine and leucine.

NM_000628.5(IL10RB):c.79G>C (p.Val27Leu)

Genes: IL10RB (interleukin 10 receptor subunit beta; plus strand), IFNAR2-IL10RB (IFNAR2-IL10RB readthrough; plus strand). Cytogenetic location: 21q22.11.
Variant type: single nucleotide variant.
Coding change: c.79G>C on transcript NM_000628.5 (MANE Select); coding-DNA position 79, G replaced by C.
Protein change: p.Val27Leu; replaces valine 27 with leucine.
Molecular consequence: missense variant.
Genome position (GRCh38, 1-based): chr21:33,268,423, G>C. VCF-style: chr21-33268423-G-C. GRCh37 (hg19) VCF-style: chr21-34640728-G-C.
Other names: short protein forms V27L.
Identifiers: ClinVar variation 847957 (VCV000847957.10), dbSNP rs1989013782, ClinGen allele CA410107016.